The following is an entry in ClinVar:

ClinVar aggregate classification (germline): Uncertain significance (1 of 4 stars; one submission).

Submission:

Labcorp Genetics (formerly Invitae), Labcorp
Classification: Uncertain significance. Last evaluated: 2025-02-23. Review status: criteria provided, single submitter. Criteria: Invitae Variant Classification Sherloc (09022015). Collection method: clinical testing. Allele origin: germline.
Comment: This sequence change replaces methionine, which is neutral and non-polar, with isoleucine, which is neutral and non-polar, at codon 758 of the CACNA1E protein (p.Met758Ile). This variant is not present in population databases (gnomAD no frequency). This variant has not been reported in the literature in individuals affected with CACNA1E-related conditions. Invitae Evidence Modeling of protein sequence and biophysical properties (such as structural, functional, and spatial information, amino acid conservation, physicochemical variation, residue mobility, and thermodynamic stability) has been performed for this missense variant. However, the output from this modeling did not meet the statistical confidence thresholds required to predict the impact of this variant on CACNA1E protein function. In summary, the available evidence is currently insufficient to determine the role of this variant in disease. Therefore, it has been classified as a Variant of Uncertain Significance.

NM_001205293.3(CACNA1E):c.2274G>A (p.Met758Ile)

Gene: CACNA1E (calcium voltage-gated channel subunit alpha1 E; plus strand). Cytogenetic location: 1q25.3.
Variant type: single nucleotide variant.
Coding change: c.2274G>A on transcript NM_001205293.3 (MANE Select); coding-DNA position 2274, G replaced by A.
Protein change: p.Met758Ile; replaces methionine 758 with isoleucine.
Molecular consequence: missense variant. On other transcripts: intron variant (1).
Genome position (GRCh38, 1-based): chr1:181,731,208, G>A. VCF-style: chr1-181731208-G-A. GRCh37 (hg19) VCF-style: chr1-181700344-G-A.
Other names: c.2274G>A, p.Met758Ile (NM_000721.4); c.2241-1176G>A (NM_001205294.2); short protein forms M758I.
Identifiers: ClinVar variation 4799988 (VCV004799988.1).
Genomic context (GRCh38, chr1:181,731,208, plus strand): 5'-CTGAACCTGTCCATTTTTCTTCCCCAGAAGAGACAGAAGGAGAAGACACCACATGTCGAT[G>A]TGGGAGCCACGCAGCAGCCACCTGTATGTGTGTACCAGTTTGCGTGTTTGTGAGTGGTTA-3'
Protein context (NP_001192222.1, residues 748-768): RDRRRRHHMS[Met758Ile]WEPRSSHLRE